The following is an entry in ClinVar:

NM_024675.4(PALB2):c.404dup (p.Pro135_Ser136insTer)

Gene: PALB2 (partner and localizer of BRCA2; minus strand). Cytogenetic location: 16p12.2.
Variant type: Duplication.
Coding change: c.404dup on transcript NM_024675.4 (MANE Select); coding-DNA position 404, one base duplicated (C; older notation c.404dupC).
Protein change: p.Pro135_Ser136insTer.
Molecular consequence: frameshift variant. On other transcripts: nonsense (1), 5 prime UTR variant (8), intron variant (3).
Genome position (GRCh38, 1-based): chr16:23,636,142, G duplicated on the plus strand (C on the coding strand, the reverse complement: PALB2 is on the minus strand); the first of 3 consecutive G bases (chr16:23,636,142-23,636,144); duplicating any one gives the same sequence. VCF-style (leftmost placement, unchanged base first): chr16-23636141-A-AG. GRCh37 (hg19) VCF-style: chr16-23647462-A-AG.
Other names: c.404dupC (NM_024675.3); c.344dup, p.Pro115_Ser116insTer (NM_001407296.1); c.404dup, p.Pro135_Ser136insTer (NM_001407297.1, NM_001407298.1, NM_001407299.1 and 3 more transcripts); c.-482dup (NM_001407304.1, NM_001407305.1, NM_001407306.1 and 5 more transcripts); c.48+4968dup (NM_001407314.1); c.-105+4968dup (NM_001407313.1, NM_001407312.1).
Identifiers: ClinVar variation 2453296 (VCV002453296.4), dbSNP rs2506513633, ClinGen allele CA2580091370.

ClinVar aggregate classification (germline): Pathogenic. Review status: criteria provided, multiple submitters, no conflicts (2 of 4 stars). 2 submissions from 2 submitters: Pathogenic (2). Last evaluated 2024-05-08.

Conditions:
Familial cancer of breast. Also called: BREAST CANCER, FAMILIAL; Hereditary breast cancer; hereditary breast carcinoma. Identifiers: Orphanet 227535, MedGen C0346153, MONDO:0016419, OMIM 114480. Disease mechanism: loss of function.
Hereditary cancer-predisposing syndrome. Also called: Neoplastic Syndromes, Hereditary; Tumor predisposition; Hereditary neoplastic syndrome; Hereditary Cancer Syndrome. Identifiers: Orphanet 140162, MedGen C0027672, MeSH D009386, MONDO:0015356.

Submissions (2):

Labcorp Genetics (formerly Invitae), Labcorp
Classification: Pathogenic for Familial cancer of breast. Last evaluated: 2024-05-08. Review status: criteria provided, single submitter. Criteria: Invitae Variant Classification Sherloc (09022015). Collection method: clinical testing. Allele origin: germline.
Comment: This sequence change creates a premature translational stop signal (p.Ser136*) in the PALB2 gene. It is expected to result in an absent or disrupted protein product. Loss-of-function variants in PALB2 are known to be pathogenic (PMID: 17200668, 17200671, 17200672, 24136930, 25099575). This variant is not present in population databases (gnomAD no frequency). This variant has not been reported in the literature in individuals affected with PALB2-related conditions. ClinVar contains an entry for this variant (Variation ID: 2453296). For these reasons, this variant has been classified as Pathogenic.

Ambry Genetics
Classification: Pathogenic for Hereditary cancer-predisposing syndrome. Last evaluated: 2022-12-28. Review status: criteria provided, single submitter. Criteria: Ambry Variant Classification Scheme 2023. Collection method: clinical testing. Allele origin: germline.
Comment: The c.404dupC pathogenic mutation, located in coding exon 4 of the PALB2 gene, results from a duplication of C at nucleotide position 404, causing a translational frameshift with a predicted alternate stop codon (p.S136*). This variant is considered to be rare based on population cohorts in the Genome Aggregation Database (gnomAD). This alteration is expected to result in loss of function by premature protein truncation or nonsense-mediated mRNA decay. As such, this alteration is interpreted as a disease-causing mutation.

Literature cited by the submitters: PubMed 17200668 (cited by Labcorp Genetics (formerly Invitae), Labcorp); PubMed 17200671 (cited by Labcorp Genetics (formerly Invitae), Labcorp); PubMed 17200672 (cited by Labcorp Genetics (formerly Invitae), Labcorp); PubMed 24136930 (cited by Labcorp Genetics (formerly Invitae), Labcorp); PubMed 25099575 (cited by Labcorp Genetics (formerly Invitae), Labcorp).